The following is an entry in ClinVar:

ClinVar aggregate classification (germline): Uncertain significance (1 of 4 stars; one submission).

Conditions:
Long QT syndrome (LQTS). Identifiers: MedGen C0023976, MeSH D008133, MONDO:0002442. Disease mechanism: loss of function. Inheritance: Various modes of inheritance.

gnomAD v4.1: 2 of 1,613,950 alleles (0.00012%); highest among the groups gnomAD compares: East Asian, 0.0022%; no homozygotes.

Submission:

Labcorp Genetics (formerly Invitae), Labcorp
Classification: Uncertain significance for Long QT syndrome. Last evaluated: 2025-01-07. Review status: criteria provided, single submitter. Criteria: Invitae Variant Classification Sherloc (09022015). Collection method: clinical testing. Allele origin: germline.
Comment: This sequence change replaces arginine, which is basic and polar, with cysteine, which is neutral and slightly polar, at codon 74 of the CAV3 protein (p.Arg74Cys). This variant is present in population databases (rs780407324, gnomAD 0.003%). This missense change has been observed in individual(s) with clinical features of CAV3-related conditions (PMID: 25630502). An algorithm developed to predict the effect of missense changes on protein structure and function (PolyPhen-2) suggests that this variant is likely to be disruptive. In summary, the available evidence is currently insufficient to determine the role of this variant in disease. Therefore, it has been classified as a Variant of Uncertain Significance.

Literature cited by the submitters: PubMed 25630502.

NM_033337.3(CAV3):c.220C>T (p.Arg74Cys)

Genes: CAV3 (caveolin 3; plus strand), OXTR (oxytocin receptor; minus strand). Cytogenetic location: 3p25.3.
Variant type: single nucleotide variant.
Coding change: c.220C>T on transcript NM_033337.3 (MANE Select); coding-DNA position 220, C replaced by T.
Protein change: p.Arg74Cys; replaces arginine 74 with cysteine.
Molecular consequence: missense variant.
Genome position (GRCh38, 1-based): chr3:8,745,631, C>T. VCF-style: chr3-8745631-C-T. GRCh37 (hg19) VCF-style: chr3-8787317-C-T.
Other names: c.220C>T, p.Arg74Cys (NM_001234.5); short protein forms R74C.
Identifiers: ClinVar variation 3689873 (VCV003689873.2).